The following is an entry in ClinVar:

NM_022124.6(CDH23):c.5534A>G (p.Asn1845Ser)

Gene: CDH23 (cadherin related 23; plus strand). Cytogenetic location: 10q22.1.
Variant type: single nucleotide variant.
Coding change: c.5534A>G on transcript NM_022124.6 (MANE Select); coding-DNA position 5534, A replaced by G.
Protein change: p.Asn1845Ser; replaces asparagine 1845 with serine.
Molecular consequence: missense variant.
Genome position (GRCh38, 1-based): chr10:71,784,922, A>G. VCF-style: chr10-71784922-A-G. GRCh37 (hg19) VCF-style: chr10-73544679-A-G.
Other names: short protein forms N1845S.
Identifiers: ClinVar variation 2680454 (VCV002680454.7), dbSNP rs1275390489, ClinGen allele CA377146427.

ClinVar aggregate classification (germline): Conflicting classifications of pathogenicity. Review status: criteria provided, conflicting classifications (1 of 4 stars). 4 submissions from 4 submitters: Likely pathogenic (3); Uncertain significance (1). Last evaluated 2026-02-10.

Conditions:
Usher syndrome. Also called: Usher Syndromes; Usher's syndrome. Identifiers: Orphanet 886, MedGen CN469326, MeSH D052245, MONDO:0019501. Disease mechanism: loss of function.
Pituitary adenoma 5, multiple types. Identifiers: MedGen C4539685, MONDO:0054601, OMIM 617540.

Allele frequency attached by ClinVar (database versions not stated): gnomAD exomes below 0.00001; TOPMed below 0.00001; gnomAD 0.00001.
gnomAD v4.1: 6 of 1,613,834 alleles (0.00037%); highest among the groups gnomAD compares: East Asian, 0.0022%; no homozygotes.

Submissions (4):

Women's Health and Genetics/Laboratory Corporation of America, LabCorp
Classification: Likely pathogenic for Usher syndrome. Last evaluated: 2026-02-10. Review status: criteria provided, single submitter. Criteria: LabCorp Variant Classification Summary - May 2015. Collection method: clinical testing. Allele origin: germline.
Comment: Variant summary: CDH23 c.5534A>G (p.Asn1845Ser) results in a conservative amino acid change in the encoded protein sequence. Algorithms developed to predict the effect of missense changes on protein structure and function are either unavailable or do not agree on the potential impact of this missense change. The variant allele was found at a frequency of 4e-06 in 249396 control chromosomes. c.5534A>G has been observed in compound heterozygous individuals affected with hearing loss (example: Kang_2022, Xiao_2025). In at least three of these individuals the variant was found to be carried in trans with a pathogenic variant. This data indicates that the variant may be associated with disease. To our knowledge, no experimental evidence demonstrating an impact on protein function has been reported. A different variant affecting the same codon has been classified as pathogenic c.5535C>A (p.Asn1845Lys), supporting the critical relevance of codon 1845 to CDH23 protein function. The following publications have been ascertained in the context of this evaluation (PMID: 36468022, 40300787). ClinVar contains an entry for this variant (Variation ID: 2680454). Based on the evidence outlined above, the variant was classified as likely pathogenic.

Baylor Genetics
Classification: Likely pathogenic for Pituitary adenoma 5, multiple types. Last evaluated: 2024-02-03. Review status: criteria provided, single submitter. Criteria: ACMG Guidelines, 2015. Collection method: clinical testing. Allele origin: unknown.

Labcorp Genetics (formerly Invitae), Labcorp
Classification: Likely pathogenic. Last evaluated: 2023-11-13. Review status: criteria provided, single submitter. Criteria: Invitae Variant Classification Sherloc (09022015). Collection method: clinical testing. Allele origin: germline.
Comment: This sequence change replaces asparagine, which is neutral and polar, with serine, which is neutral and polar, at codon 1845 of the CDH23 protein (p.Asn1845Ser). This variant is present in population databases (no rsID available, gnomAD 0.004%). This missense change has been observed in individual(s) with deafness (PMID: 36468022). In at least one individual the data is consistent with being in trans (on the opposite chromosome) from a pathogenic variant. It has also been observed to segregate with disease in related individuals. Advanced modeling of protein sequence and biophysical properties (such as structural, functional, and spatial information, amino acid conservation, physicochemical variation, residue mobility, and thermodynamic stability) has been performed at Invitae for this missense variant, however the output from this modeling did not meet the statistical confidence thresholds required to predict the impact of this variant on CDH23 protein function. This variant disrupts the p.Asn1845 amino acid residue in CDH23. Other variant(s) that disrupt this residue have been observed in individuals with CDH23-related conditions (PMID: 35651951), which suggests that this may be a clinically significant amino acid residue. In summary, the currently available evidence indicates that the variant is pathogenic, but additional data are needed to prove that conclusively. Therefore, this variant has been classified as Likely Pathogenic.

Blueprint Genetics
Classification: Uncertain significance. Last evaluated: 2017-12-08. Review status: criteria provided, single submitter. Criteria: ACMG Guidelines, 2015. Collection method: clinical testing. Allele origin: germline.

Literature cited by the submitters: PubMed 41359850 (cited by Women's Health and Genetics/Laboratory Corporation of America, LabCorp); PubMed 36468022 (cited by Women's Health and Genetics/Laboratory Corporation of America, LabCorp and Labcorp Genetics (formerly Invitae), Labcorp); PubMed 40300787 (cited by Women's Health and Genetics/Laboratory Corporation of America, LabCorp); PubMed 35651951 (cited by Labcorp Genetics (formerly Invitae), Labcorp).